The following is an entry in ClinVar:

ClinVar aggregate classification (germline): Uncertain significance (1 of 4 stars; one submission).

Conditions:
Fanconi anemia complementation group E (FANCE). Also called: FANCE-Related Fanconi Anemia. Identifiers: Orphanet 84, MedGen C3160739, MONDO:0010953, OMIM 600901.

gnomAD v4.1: 3 of 1,613,882 alleles (0.00019%); highest among the groups gnomAD compares: Non-Finnish European, 0.00025%; no homozygotes.

Submission:

Labcorp Genetics (formerly Invitae), Labcorp
Classification: Uncertain significance for Fanconi anemia complementation group E. Last evaluated: 2025-05-07. Review status: criteria provided, single submitter. Criteria: Invitae Variant Classification Sherloc (09022015). Collection method: clinical testing. Allele origin: germline.
Comment: This sequence change replaces serine, which is neutral and polar, with proline, which is neutral and non-polar, at codon 526 of the FANCE protein (p.Ser526Pro). This variant is present in population databases (rs752561657, gnomAD 0.002%). This variant has not been reported in the literature in individuals affected with FANCE-related conditions. Invitae Evidence Modeling of protein sequence and biophysical properties (such as structural, functional, and spatial information, amino acid conservation, physicochemical variation, residue mobility, and thermodynamic stability) indicates that this missense variant is not expected to disrupt FANCE protein function with a negative predictive value of 80%. In summary, the available evidence is currently insufficient to determine the role of this variant in disease. Therefore, it has been classified as a Variant of Uncertain Significance.

NM_021922.3(FANCE):c.1576T>C (p.Ser526Pro)

Gene: FANCE (FA complementation group E; plus strand). Cytogenetic location: 6p21.31.
Variant type: single nucleotide variant.
Coding change: c.1576T>C on transcript NM_021922.3 (MANE Select); coding-DNA position 1576, T replaced by C.
Protein change: p.Ser526Pro; replaces serine 526 with proline.
Molecular consequence: missense variant. On other transcripts: 3 prime UTR variant (1).
Genome position (GRCh38, 1-based): chr6:35,466,310, T>C. VCF-style: chr6-35466310-T-C. GRCh37 (hg19) VCF-style: chr6-35434087-T-C.
Other names: c.*27T>C (NM_001410876.1); short protein forms S526P.
Identifiers: ClinVar variation 4715510 (VCV004715510.1).